The following is an entry in ClinVar:

ClinVar aggregate classification (germline): Pathogenic. Review status: criteria provided, multiple submitters, no conflicts (2 of 4 stars). 2 submissions from 2 submitters: Pathogenic (2). Last evaluated 2022-09-26.

Conditions:
Seizures, benign familial infantile, 3 (BFIS3). Also called: CONVULSIONS, BENIGN FAMILIAL INFANTILE, 3; Familial neonatal seizures. Identifiers: Orphanet 140927, Orphanet 306, MedGen C1843140, MONDO:0011904, OMIM 607745.
Developmental and epileptic encephalopathy, 11 (DEE11). Also called: Early infantile epileptic encephalopathy 11. Identifiers: Orphanet 1934, MedGen C3150987, MONDO:0013388, OMIM 613721.

Submissions (2):

Labcorp Genetics (formerly Invitae), Labcorp
Classification: Pathogenic for Seizures, benign familial infantile, 3; Developmental and epileptic encephalopathy, 11. Last evaluated: 2022-09-26. Review status: criteria provided, single submitter. Criteria: Invitae Variant Classification Sherloc (09022015). Collection method: clinical testing. Allele origin: germline.
Comment: For these reasons, this variant has been classified as Pathogenic. Advanced modeling of protein sequence and biophysical properties (such as structural, functional, and spatial information, amino acid conservation, physicochemical variation, residue mobility, and thermodynamic stability) performed at Invitae indicates that this missense variant is expected to disrupt SCN2A protein function. ClinVar contains an entry for this variant (Variation ID: 206994). This missense change has been observed in individual(s) with early onset epileptic encephalopathy (PMID: 28133863). In at least one individual the variant was observed to be de novo. This variant is not present in population databases (gnomAD no frequency). This sequence change replaces alanine, which is neutral and non-polar, with threonine, which is neutral and polar, at codon 1333 of the SCN2A protein (p.Ala1333Thr).

GeneDx
Classification: Pathogenic. Last evaluated: 2019-09-10. Review status: criteria provided, single submitter. Criteria: GeneDx Variant Classification Process June 2021. Collection method: clinical testing. Allele origin: germline. Affected: yes.
Comment: Not observed in large population cohorts (Lek et al., 2016); The majority of missense variants in this gene are considered pathogenic (Wolff et al., 2017); In silico analyses, including protein predictors and evolutionary conservation, support a deleterious effect; This variant is associated with the following publications: (PMID: 28133863)

Literature cited by the submitters: PubMed 28133863 (cited by Labcorp Genetics (formerly Invitae), Labcorp).

NM_001040142.2(SCN2A):c.3997G>A (p.Ala1333Thr)

Gene: SCN2A (sodium voltage-gated channel alpha subunit 2; plus strand). Cytogenetic location: 2q24.3.
Variant type: single nucleotide variant.
Coding change: c.3997G>A on transcript NM_001040142.2 (MANE Select); coding-DNA position 3997, G replaced by A.
Protein change: p.Ala1333Thr; replaces alanine 1333 with threonine.
Molecular consequence: missense variant.
Genome position (GRCh38, 1-based): chr2:165,374,709, G>A. VCF-style: chr2-165374709-G-A. GRCh37 (hg19) VCF-style: chr2-166231219-G-A.
Other names: p.A1333T:GCC>ACC; c.3997G>A, p.Ala1333Thr (NM_001040143.2, NM_001371246.1, NM_001371247.1 and 1 more transcripts); short protein forms A1333T.
Identifiers: ClinVar variation 206994 (VCV000206994.7), dbSNP rs796053132, ClinGen allele CA317948.